The following is an entry in ClinVar:

ClinVar aggregate classification (germline): Uncertain significance (1 of 4 stars; one submission).

Conditions:
Bloom syndrome (BLM). Also called: Bloom-Torre-Machacek syndrome. Identifiers: Orphanet 125, MedGen C0005859, MONDO:0008876, OMIM 210900.

gnomAD v4.1: 2 of 1,614,052 alleles (0.00012%); highest among the groups gnomAD compares: Non-Finnish European, 0.00017%; no homozygotes.

Submission:

Labcorp Genetics (formerly Invitae), Labcorp
Classification: Uncertain significance for Bloom syndrome. Last evaluated: 2025-06-24. Review status: criteria provided, single submitter. Criteria: Invitae Variant Classification Sherloc (09022015). Collection method: clinical testing. Allele origin: germline.
Comment: This sequence change replaces isoleucine, which is neutral and non-polar, with phenylalanine, which is neutral and non-polar, at codon 943 of the BLM protein (p.Ile943Phe). This variant is not present in population databases (gnomAD no frequency). This variant has not been reported in the literature in individuals affected with BLM-related conditions. Invitae Evidence Modeling of protein sequence and biophysical properties (such as structural, functional, and spatial information, amino acid conservation, physicochemical variation, residue mobility, and thermodynamic stability) indicates that this missense variant is expected to disrupt BLM protein function with a positive predictive value of 80%. In summary, the available evidence is currently insufficient to determine the role of this variant in disease. Therefore, it has been classified as a Variant of Uncertain Significance.

NM_000057.4(BLM):c.2827A>T (p.Ile943Phe)

Gene: BLM (BLM RecQ like helicase; plus strand). Cytogenetic location: 15q26.1.
Variant type: single nucleotide variant.
Coding change: c.2827A>T on transcript NM_000057.4 (MANE Select); coding-DNA position 2827, A replaced by T.
Protein change: p.Ile943Phe; replaces isoleucine 943 with phenylalanine.
Molecular consequence: missense variant.
Genome position (GRCh38, 1-based): chr15:90,790,652, A>T. VCF-style: chr15-90790652-A-T. GRCh37 (hg19) VCF-style: chr15-91333882-A-T.
Other names: c.2827A>T, p.Ile943Phe (NM_001287246.2, NM_001287247.2); c.1702A>T, p.Ile568Phe (NM_001287248.2); short protein forms I943F, I568F.
Identifiers: ClinVar variation 4769081 (VCV004769081.1).